The following is an entry in ClinVar:

NM_001197104.2(KMT2A):c.3700G>C (p.Val1234Leu)

Gene: KMT2A (lysine methyltransferase 2A; plus strand). Cytogenetic location: 11q23.3.
Variant type: single nucleotide variant.
Coding change: c.3700G>C on transcript NM_001197104.2 (MANE Select); coding-DNA position 3700, G replaced by C.
Protein change: p.Val1234Leu; replaces valine 1234 with leucine.
Molecular consequence: missense variant.
Genome position (GRCh38, 1-based): chr11:118,481,780, G>C. VCF-style: chr11-118481780-G-C. GRCh37 (hg19) VCF-style: chr11-118352495-G-C.
Other names: c.3799G>C, p.Val1267Leu (NM_001412597.1); c.3700G>C, p.Val1234Leu (NM_005933.4); short protein forms V1234L, V1267L.
Identifiers: ClinVar variation 2785970 (VCV002785970.4), dbSNP rs374632181, ClinGen allele CA382827314.
Genomic context (GRCh38, chr11:118,481,780, plus strand): 5'-AAAAAGAAAGAGAAAAAGTCTAAGACCAGTGAAAAGAAAGACAGCAAAGAGAGCAGTGTT[G>C]TGAAGAACGTGGTGGACTCTAGTCAGAAACCTACCCCATCAGCAAGAGAGGATCCTGCCC-3'
Protein context (NP_001184033.1, residues 1224-1244): EKKDSKESSV[Val1234Leu]KNVVDSSQKP

ClinVar aggregate classification (germline): Uncertain significance. Review status: criteria provided, multiple submitters, no conflicts (2 of 4 stars). 2 submissions from 2 submitters: Uncertain significance (2). Last evaluated 2025-07-21.

gnomAD v4.1: 25 of 1,614,196 alleles (0.0015%); highest among the groups gnomAD compares: Non-Finnish European, 0.0021%; no homozygotes.

Submissions (2):

Women's Health and Genetics/Laboratory Corporation of America, LabCorp
Classification: Uncertain significance. Last evaluated: 2025-07-21. Review status: criteria provided, single submitter. Criteria: LabCorp Variant Classification Summary - May 2015. Collection method: clinical testing. Allele origin: germline.
Comment: Variant summary: KMT2A c.3700G>C (p.Val1234Leu) results in a conservative amino acid change in the encoded protein sequence. Algorithms developed to predict the effect of missense changes on protein structure and function all suggest that this variant is likely to be tolerated. The variant allele was found at a frequency of 4e-06 in 251376 control chromosomes. The available data on variant occurrences in the general population are insufficient to allow any conclusion about variant significance. To our knowledge, no occurrence of c.3700G>C in individuals affected with Wiedemann-Steiner Syndrome and no experimental evidence demonstrating its impact on protein function have been reported. ClinVar contains an entry for this variant (Variation ID: 2785970). Based on the evidence outlined above, the variant was classified as uncertain significance.

Labcorp Genetics (formerly Invitae), Labcorp
Classification: Uncertain significance. Last evaluated: 2023-04-17. Review status: criteria provided, single submitter. Criteria: Invitae Variant Classification Sherloc (09022015). Collection method: clinical testing. Allele origin: germline.
Comment: In summary, the available evidence is currently insufficient to determine the role of this variant in disease. Therefore, it has been classified as a Variant of Uncertain Significance. Advanced modeling of protein sequence and biophysical properties (such as structural, functional, and spatial information, amino acid conservation, physicochemical variation, residue mobility, and thermodynamic stability) performed at Invitae indicates that this missense variant is not expected to disrupt KMT2A protein function. This variant has not been reported in the literature in individuals affected with KMT2A-related conditions. This variant is present in population databases (no rsID available, gnomAD 0.0009%). This sequence change replaces valine, which is neutral and non-polar, with leucine, which is neutral and non-polar, at codon 1234 of the KMT2A protein (p.Val1234Leu).